The following is an entry in ClinVar:

ClinVar aggregate classification (germline): Uncertain significance (1 of 4 stars; one submission).

gnomAD v4.1: 1 of 1,613,794 alleles (0.000062%); highest among the groups gnomAD compares: Non-Finnish European, 0.000085%; no homozygotes.

Submission:

GeneDx
Classification: Uncertain significance. Last evaluated: 2025-07-08. Review status: criteria provided, single submitter. Criteria: GeneDx Variant Classification Process June 2021. Collection method: clinical testing. Allele origin: germline. Affected: yes.
Comment: Not observed at significant frequency in large population cohorts (gnomAD); In silico analysis suggests that this missense variant does not alter protein structure/function; Has not been previously published as pathogenic or benign to our knowledge

NM_001378454.1(ALMS1):c.1111A>G (p.Thr371Ala)

Gene: ALMS1 (ALMS1 centrosome and basal body associated protein; plus strand). Cytogenetic location: 2p13.1.
Variant type: single nucleotide variant.
Coding change: c.1111A>G on transcript NM_001378454.1 (MANE Select); coding-DNA position 1111, A replaced by G.
Protein change: p.Thr371Ala; replaces threonine 371 with alanine.
Molecular consequence: missense variant.
Genome position (GRCh38, 1-based): chr2:73,424,776, A>G. VCF-style: chr2-73424776-A-G. GRCh37 (hg19) VCF-style: chr2-73651904-A-G.
Other names: c.1114A>G, p.Thr372Ala (NM_015120.4); short protein forms T371A, T372A.
Identifiers: ClinVar variation 4685290 (VCV004685290.1).